The following is an entry in ClinVar:

ClinVar aggregate classification (germline): Uncertain significance (1 of 4 stars; one submission).

Conditions:
HBB-related disorder. Also called: HBB-related condition; HBB-related disorders. Identifiers: MedGen CN239378.

gnomAD v4.1: 1 of 1,614,130 alleles (0.000062%); highest among the groups gnomAD compares: Non-Finnish European, 0.000085%; no homozygotes.

Submission:

PreventionGenetics, part of Exact Sciences
Classification: Uncertain significance for HBB-related condition. Last evaluated: 2023-06-14. Review status: criteria provided, single submitter. Criteria: ACMG Guidelines, 2015. Collection method: clinical testing. Allele origin: germline.
Comment: The HBB c.181G>T variant is predicted to result in the amino acid substitution p.Val61Leu. This variant was reported using legacy nomenclature (Val60Leu) in a patient without significant hematological abnormalities (Kagimoto et al. 1978. PubMed ID: 620052). Alternate substitutions at the same amino acid (p.Val61Ala, p.Val61Glu) have been reported in individuals with unstable hemoglobin, microcytic anemia, or β-thalassemia (Williamson et al. 1983. PubMed ID: 6421773; Podda et al. 1991. PubMed ID: 1985702; Susanto et al. 2020. PubMed ID: 31890591). The c.181G>T (p.Val61Leu) variant has not been reported in a large population database, indicating this variant is rare. At this time, the clinical significance of this variant is uncertain due to the absence of conclusive functional and genetic evidence.

NM_000518.5(HBB):c.181G>T (p.Val61Leu)

Genes: HBB (hemoglobin subunit beta; minus strand), LOC106099062 (HBB recombination region; plus strand), LOC107133510 (origin of replication at HBB; plus strand). Cytogenetic location: 11p15.4.
Variant type: single nucleotide variant.
Coding change: c.181G>T on transcript NM_000518.5 (MANE Select); coding-DNA position 181, G replaced by T.
Protein change: p.Val61Leu; replaces valine 61 with leucine.
Molecular consequence: missense variant.
Genome position (GRCh38, 1-based): chr11:5,226,711, C>A on the plus strand (G>T on the coding strand, the complement: HBB is on the minus strand). VCF-style: chr11-5226711-C-A. GRCh37 (hg19) VCF-style: chr11-5247941-C-A.
Other names: short protein forms V61L.
Identifiers: ClinVar variation 2632585 (VCV002632585.1), dbSNP rs33990253, ClinGen allele CA379273895.